The following is an entry in ClinVar:

NM_022772.4(EPS8L2):c.996del (p.Lys333fs)

Gene: EPS8L2 (EPS8 signaling adaptor L2; plus strand). Cytogenetic location: 11p15.5.
Variant type: Deletion.
Coding change: c.996del on transcript NM_022772.4 (MANE Select); coding-DNA position 996, one base deleted (G; older notation c.996delG).
Protein change: p.Lys333fs; shifts the reading frame from lysine 333.
Molecular consequence: frameshift variant.
Genome position (GRCh38, 1-based): chr11:722,102, G deleted. VCF-style (leftmost placement, unchanged base first): chr11-722101-AG-A. GRCh37 (hg19) VCF-style: chr11-722101-AG-A.
Other names: short protein forms K333fs.
Identifiers: ClinVar variation 3601082 (VCV003601082.1).
Genomic context (GRCh38, chr11:722,101, plus strand): 5'-GTGGAGGCCCCGCCCCGCCCCGGCACCTGCTCACTTGTTCCCACCCCCAGGCAAAGCTGC[AG>A]AAGCACATCCAGAACCCCAGCGCCGCGGAGCTCGTGCACTTCCTCTTCGGGCCTCTGGAC-3'

ClinVar aggregate classification (germline): Pathogenic (1 of 4 stars; one submission).

Conditions:
Hearing loss, autosomal recessive 106. Also called: DEAFNESS, AUTOSOMAL RECESSIVE 106. Identifiers: MedGen C4539954, MONDO:0033198, OMIM 617637.

Submission:

Institute of Rare Diseases, West China Hospital, Sichuan University
Classification: Pathogenic for Hearing loss, autosomal recessive 106. Last evaluated: 2025-01-09. Review status: criteria provided, single submitter. Criteria: ClinGen HL ACMG Specifications v1. Collection method: research. Allele origin: germline. Affected: yes.
Comment: PVS1;PM3_Supporting;PM2_Supporting